The following is an entry in ClinVar:

ClinVar aggregate classification (germline): Uncertain significance (1 of 4 stars; one submission).

Submission:

GeneDx
Classification: Uncertain significance. Last evaluated: 2025-06-27. Review status: criteria provided, single submitter. Criteria: GeneDx Variant Classification Process June 2021. Collection method: clinical testing. Allele origin: germline. Affected: yes.
Comment: Not observed at significant frequency in large population cohorts (gnomAD); In silico analysis suggests that this missense variant does not alter protein structure/function; Has not been previously published as pathogenic or benign to our knowledge

NM_015559.3(SETBP1):c.2120G>A (p.Ser707Asn)

Gene: SETBP1 (SET binding protein 1; plus strand). Cytogenetic location: 18q12.3.
Variant type: single nucleotide variant.
Coding change: c.2120G>A on transcript NM_015559.3 (MANE Select); coding-DNA position 2120, G replaced by A.
Protein change: p.Ser707Asn; replaces serine 707 with asparagine.
Molecular consequence: missense variant.
Genome position (GRCh38, 1-based): chr18:44,951,460, G>A. VCF-style: chr18-44951460-G-A. GRCh37 (hg19) VCF-style: chr18-42531425-G-A.
Other names: c.2120G>A, p.Ser707Asn (NM_001410862.1, NM_001379141.1, NM_001379142.1); short protein forms S707N.
Identifiers: ClinVar variation 4540172 (VCV004540172.1).